The following is an entry in ClinVar:

ClinVar aggregate classification (germline): Pathogenic. Review status: criteria provided, multiple submitters, no conflicts (2 of 4 stars). 3 submissions from 3 submitters: Pathogenic (2). 1 of the submissions does not count toward it. Last evaluated 2023-05-03.

Conditions:
Cardiomyopathy (CMYO). Also called: Cardiomyopathies. Identifiers: Orphanet 167848, MedGen C0878544, MONDO:0004994, HP:0001638. Inheritance: Various modes of inheritance.
Alstrom syndrome (ALMS). Identifiers: Orphanet 64, MedGen C0268425, MONDO:0008763, OMIM 203800.

Allele frequency attached by ClinVar (database versions not stated): gnomAD exomes below 0.00001; ExAC 0.00001.

Submissions (3):

Cytogénomique, Hospices Civils de Lyon
Classification: Pathogenic for Cardiomyopathy. Last evaluated: 2023-05-03. Review status: criteria provided, single submitter. Criteria: ACMG Guidelines, 2015. Collection method: clinical testing. Allele origin: paternal. Affected: yes.

Baylor-Hopkins Center for Mendelian Genomics, Johns Hopkins University School of Medicine
Classification: Pathogenic for Alstrom syndrome. Review status: criteria provided, single submitter. Criteria: Submitter's publication. Collection method: research. Allele origin: germline. Affected: yes. Observed: 1 homozygote.

Johns Hopkins Genetic Resources Core Facility; Johns Hopkins University
No classification provided. Review status: no classification provided. Collection method: not provided. Allele origin: germline. Not counted in ClinVar's aggregate classification.

NM_001378454.1(ALMS1):c.1897C>T (p.Gln633Ter)

Gene: ALMS1 (ALMS1 centrosome and basal body associated protein; plus strand). Cytogenetic location: 2p13.1.
Variant type: single nucleotide variant.
Coding change: c.1897C>T on transcript NM_001378454.1 (MANE Select); coding-DNA position 1897, C replaced by T.
Protein change: p.Gln633Ter; replaces glutamine 633 with a stop codon.
Molecular consequence: nonsense.
Genome position (GRCh38, 1-based): chr2:73,448,424, C>T. VCF-style: chr2-73448424-C-T. GRCh37 (hg19) VCF-style: chr2-73675551-C-T.
Other names: c.1900C>T, p.Gln634Ter (NM_015120.4); short protein forms Q634*, Q633*.
Identifiers: ClinVar variation 92240 (VCV000092240.3), dbSNP rs398122995, ClinGen allele CA220126.